The following is an entry in ClinVar:

NM_017763.6(RNF43):c.2242A>G (p.Ser748Gly)

Gene: RNF43 (ring finger protein 43; minus strand). Cytogenetic location: 17q22.
Variant type: single nucleotide variant.
Coding change: c.2242A>G on transcript NM_017763.6 (MANE Select); coding-DNA position 2242, A replaced by G.
Protein change: p.Ser748Gly; replaces serine 748 with glycine.
Molecular consequence: missense variant.
Genome position (GRCh38, 1-based): chr17:58,357,534, T>C on the plus strand (A>G on the coding strand, the complement: RNF43 is on the minus strand). VCF-style: chr17-58357534-T-C. GRCh37 (hg19) VCF-style: chr17-56434895-T-C.
Other names: c.2242A>G, p.Ser748Gly (NM_001305544.3); c.1861A>G, p.Ser621Gly (NM_001305545.2); short protein forms S621G, S748G.
Identifiers: ClinVar variation 3611376 (VCV003611376.3).

ClinVar aggregate classification (germline): Uncertain significance. Review status: criteria provided, multiple submitters, no conflicts (2 of 4 stars). 2 submissions from 2 submitters: Uncertain significance (2). Last evaluated 2024-07-08.

Conditions:
Sessile serrated polyposis cancer syndrome (SSPCS). Identifiers: Orphanet 157798, MedGen C4310714, MONDO:0014919, OMIM 617108.

gnomAD v4.1: 1 of 1,614,192 alleles (0.000062%); highest among the groups gnomAD compares: Non-Finnish European, 0.000085%; no homozygotes.

Submissions (2):

Labcorp Genetics (formerly Invitae), Labcorp
Classification: Uncertain significance. Last evaluated: 2024-07-08. Review status: criteria provided, single submitter. Criteria: Invitae Variant Classification Sherloc (09022015). Collection method: clinical testing. Allele origin: germline.
Comment: This sequence change replaces serine, which is neutral and polar, with glycine, which is neutral and non-polar, at codon 748 of the RNF43 protein (p.Ser748Gly). This variant is not present in population databases (gnomAD no frequency). This variant has not been reported in the literature in individuals affected with RNF43-related conditions. An algorithm developed to predict the effect of missense changes on protein structure and function (PolyPhen-2) suggests that this variant is likely to be tolerated. In summary, the available evidence is currently insufficient to determine the role of this variant in disease. Therefore, it has been classified as a Variant of Uncertain Significance.

Department of Pathology and Laboratory Medicine, Sinai Health System
Classification: Uncertain significance for Sessile serrated polyposis cancer syndrome. Last evaluated: 2023-03-15. Review status: criteria provided, single submitter. Criteria: ACMG Guidelines, 2015. Collection method: clinical testing. Allele origin: germline. Affected: yes.